The following is an entry in ClinVar:

ClinVar aggregate classification (germline): Uncertain significance (1 of 4 stars; one submission).

Conditions:
Familial intrahepatic cholestasis. Identifiers: Orphanet 284385, MedGen CN296401, MONDO:0017290.
Low phospholipid associated cholelithiasis (GBD1). Also called: Gallbladder disease 1; Gallstone cholecystitis. Identifiers: Orphanet 69663, MedGen C2609268, MONDO:0010939, OMIM 600803.

Submission:

Genomenon, Inc
Classification: Uncertain significance for Familial intrahepatic cholestasis; Low phospholipid associated cholelithiasis. Last evaluated: 2026-04-14. Review status: criteria provided, single submitter. Criteria: Genomenon Sequence Variant Interpretation Standards - Updated. Collection method: curation. Allele origin: germline. Affected: no.
Comment: ABCB4 p.Gly826Arg (c.2476G>A) is a missense variant that changes the amino acid at residue 826 from Glycine to Arginine. This variant has been reported in the published literature (PMID:37208429). It is absent or not present at a significant frequency in gnomAD. In silico models predict that this variant is possibly or probably damaging. In conclusion, we classify ABCB4 p.Gly826Arg (c.2476G>A) as a variant of uncertain significance.

Literature cited by the submitters: PubMed 37208429.

NM_000443.4(ABCB4):c.2476G>A (p.Gly826Arg)

Gene: ABCB4 (ATP binding cassette subfamily B member 4; minus strand). Cytogenetic location: 7q21.12.
Variant type: single nucleotide variant.
Coding change: c.2476G>A on transcript NM_000443.4 (MANE Select); coding-DNA position 2476, G replaced by A.
Protein change: p.Gly826Arg; replaces glycine 826 with arginine.
Molecular consequence: missense variant.
Genome position (GRCh38, 1-based): chr7:87,418,539, C>T on the plus strand (G>A on the coding strand, the complement: ABCB4 is on the minus strand). VCF-style: chr7-87418539-C-T. GRCh37 (hg19) VCF-style: chr7-87047855-C-T.
Other names: c.2476G>A, p.Gly826Arg (NM_018849.3, NM_018850.3); short protein forms G826R.
Identifiers: ClinVar variation 4846484 (VCV004846484.1).